The following is an entry in ClinVar:

NM_015294.6(TRIM37):c.1723dup (p.Met575fs)

Gene: TRIM37 (tripartite motif containing 37; minus strand). Cytogenetic location: 17q22.
Variant type: Duplication.
Coding change: c.1723dup on transcript NM_015294.6 (MANE Select); coding-DNA position 1723, one base duplicated (A; older notation c.1723dupA).
Protein change: p.Met575fs; shifts the reading frame from methionine 575.
Molecular consequence: frameshift variant. On other transcripts: non-coding transcript variant (2).
Genome position (GRCh38, 1-based): chr17:59,041,843, T duplicated on the plus strand (A on the coding strand, the reverse complement: TRIM37 is on the minus strand). VCF-style (leftmost placement, unchanged base first): chr17-59041842-A-AT. GRCh37 (hg19) VCF-style: chr17-57119203-A-AT.
Other names: c.1723dup, p.Met575fs (NM_001005207.5, NM_001320988.3, NM_001320989.3 and 1 more transcripts); c.1621dup, p.Met541fs (NM_001320987.3, NM_001353082.2); c.1357dup, p.Met453fs (NM_001320990.3); c.988dup, p.Met330fs (NM_001353083.2); c.1261dup, p.Met421fs (NM_001353085.2); c.1672dup, p.Met558fs (NM_001353086.2); short protein forms M330fs, M421fs, M453fs, M541fs, M558fs, M575fs.
Identifiers: ClinVar variation 2026515 (VCV002026515.4), dbSNP rs2545474992, ClinGen allele CA2580094323.

ClinVar aggregate classification (germline): Pathogenic (1 of 4 stars; one submission).

Submission:

Labcorp Genetics (formerly Invitae), Labcorp
Classification: Pathogenic. Last evaluated: 2022-11-01. Review status: criteria provided, single submitter. Criteria: Invitae Variant Classification Sherloc (09022015). Collection method: clinical testing. Allele origin: germline.
Comment: This sequence change creates a premature translational stop signal (p.Met575Asnfs*12) in the TRIM37 gene. It is expected to result in an absent or disrupted protein product. Loss-of-function variants in TRIM37 are known to be pathogenic (PMID: 10888877, 15108285). This variant is not present in population databases (gnomAD no frequency). This variant has not been reported in the literature in individuals affected with TRIM37-related conditions. For these reasons, this variant has been classified as Pathogenic.

Literature cited by the submitters: PubMed 10888877; PubMed 15108285.